The following continues an entry in ClinVar:

NM_172201.2(KCNE2):c.170T>C (p.Ile57Thr)

ClinVar aggregate classification (germline): Conflicting classifications of pathogenicity. Uncertain significance (4); Likely benign (8).

Submissions 15 to 20 of 20:

CSER _CC_NCGL, University of Washington
Classification: Uncertain significance for Cardiac arrhythmia. Last evaluated: 2014-06-01. Review status: no assertion criteria provided. Collection method: research. Allele origin: germline. Inheritance: Autosomal dominant inheritance. Study: ESP 6500 variant annotation. Not counted in ClinVar's aggregate classification.
Comment: Variants classified for the Actionable exomic incidental findings in 6503 participants: challenges of variant classification manuscript

OMIM
Classification: Pathogenic for LONG QT SYNDROME 6. Last evaluated: 1999-04-16. Review status: no assertion criteria provided. Collection method: literature only. Allele origin: germline. Not counted in ClinVar's aggregate classification.

Cardiovascular Biomedical Research Unit, Royal Brompton & Harefield NHS Foundation Trust
No classification provided. Review status: no classification provided. Collection method: literature only. Allele origin: germline. Not counted in ClinVar's aggregate classification.
Comment: This variant has been reported in the following publications (PMID:10219239;PMID:10984545;PMID:14760488;PMID:16922724;PMID:19716085;PMID:20042375;PMID:22378279).

Clinical Genetics, Academic Medical Center
Classification: Likely benign. Review status: no assertion criteria provided. Collection method: clinical testing. Allele origin: germline. Affected: yes. Study: VKGL Data-share Consensus. Not counted in ClinVar's aggregate classification.

Genome Diagnostics Laboratory, University Medical Center Utrecht
Classification: Likely benign. Review status: no assertion criteria provided. Collection method: clinical testing. Allele origin: germline. Affected: yes. Study: VKGL Data-share Consensus. Not counted in ClinVar's aggregate classification.

Joint Genome Diagnostic Labs from Nijmegen and Maastricht, Radboudumc and MUMC+
Classification: Likely benign. Review status: no assertion criteria provided. Collection method: clinical testing. Allele origin: germline. Affected: yes. Study: VKGL Data-share Consensus. Not counted in ClinVar's aggregate classification.

Literature cited by the submitters: PubMed 23382499 (cited by Ambry Genetics); PubMed 24055113 (cited by Ambry Genetics); PubMed 24144883 (cited by Ambry Genetics); PubMed 25637381 (cited by Ambry Genetics); PubMed 26159999 (cited by Ambry Genetics); PubMed 26284702 (cited by Ambry Genetics and Women's Health and Genetics/Laboratory Corporation of America, LabCorp); PubMed 27884173 (cited by Ambry Genetics and Women's Health and Genetics/Laboratory Corporation of America, LabCorp); PubMed 28341588 (cited by Ambry Genetics); PubMed 28794082 (cited by Ambry Genetics); PubMed 23098067 (cited by Women's Health and Genetics/Laboratory Corporation of America, LabCorp); PubMed 14760488 (cited by Women's Health and Genetics/Laboratory Corporation of America, LabCorp and Cardiovascular Biomedical Research Unit, Royal Brompton & Harefield NHS Foundation Trust); PubMed 11034315 (cited by Women's Health and Genetics/Laboratory Corporation of America, LabCorp); PubMed 11101505 (cited by Women's Health and Genetics/Laboratory Corporation of America, LabCorp); PubMed 10219239 (cited by 4 submitters); PubMed 19716085 (cited by Women's Health and Genetics/Laboratory Corporation of America, LabCorp and Cardiovascular Biomedical Research Unit, Royal Brompton & Harefield NHS Foundation Trust); PubMed 24606995 (cited by Women's Health and Genetics/Laboratory Corporation of America, LabCorp); PubMed 10984545 (cited by Women's Health and Genetics/Laboratory Corporation of America, LabCorp and Cardiovascular Biomedical Research Unit, Royal Brompton & Harefield NHS Foundation Trust); PubMed 24631775 (cited by Women's Health and Genetics/Laboratory Corporation of America, LabCorp); PubMed 20042375 (cited by 3 submitters); PubMed 19219384 (cited by Women's Health and Genetics/Laboratory Corporation of America, LabCorp); PubMed 19863579 (cited by Women's Health and Genetics/Laboratory Corporation of America, LabCorp); PubMed 19841298 (cited by Women's Health and Genetics/Laboratory Corporation of America, LabCorp and Illumina Laboratory Services, Illumina); PubMed 10973849 (cited by Women's Health and Genetics/Laboratory Corporation of America, LabCorp); PubMed 16922724 (cited by Women's Health and Genetics/Laboratory Corporation of America, LabCorp and Cardiovascular Biomedical Research Unit, Royal Brompton & Harefield NHS Foundation Trust); PubMed 22378279 (cited by Cardiovascular Biomedical Research Unit, Royal Brompton & Harefield NHS Foundation Trust); PubMed 22581653 (cited by Cardiovascular Biomedical Research Unit, Royal Brompton & Harefield NHS Foundation Trust).